The following is an entry in ClinVar:

NM_014989.7(RIMS1):c.2834G>A (p.Arg945Lys)

Gene: RIMS1 (regulating synaptic membrane exocytosis 1; plus strand). Cytogenetic location: 6q13.
Variant type: single nucleotide variant.
Coding change: c.2834G>A on transcript NM_014989.7 (MANE Select); coding-DNA position 2834, G replaced by A.
Protein change: p.Arg945Lys; replaces arginine 945 with lysine.
Molecular consequence: missense variant.
Genome position (GRCh38, 1-based): chr6:72,258,188, G>A. VCF-style: chr6-72258188-G-A. GRCh37 (hg19) VCF-style: chr6-72967891-G-A.
Other names: c.1253G>A, p.Arg418Lys (NM_001168407.2, NM_001350415.2, NM_001350418.2 and 19 more transcripts); c.1256G>A, p.Arg419Lys (NM_001168408.2, NM_001350414.2, NM_001350416.2 and 15 more transcripts); c.1013G>A, p.Arg338Lys (NM_001168409.2, NM_001350464.2, NM_001350465.2 and 3 more transcripts); c.1211G>A, p.Arg404Lys (NM_001168410.2, NM_001350470.2, NM_001350473.2 and 1 more transcripts); c.1184G>A, p.Arg395Lys (NM_001350421.2, NM_001350471.2, NM_001350430.2 and 2 more transcripts); c.1187G>A, p.Arg396Lys (NM_001350424.2, NM_001350428.2, NM_001350462.2 and 1 more transcripts); c.1010G>A, p.Arg337Lys (NM_001350461.2, NM_001350463.2, NM_001350468.2); c.1208G>A, p.Arg403Lys (NM_001350472.2); and 1 more; short protein forms R338K, R418K, R945K, R395K, R419K, R396K, R337K, R403K.
Identifiers: ClinVar variation 1491474 (VCV001491474.7), dbSNP rs778829870, ClinGen allele CA3886046.

ClinVar aggregate classification (germline): Uncertain significance. Review status: criteria provided, multiple submitters, no conflicts (2 of 4 stars). 2 submissions from 2 submitters: Uncertain significance (2). Last evaluated 2023-03-21.

Allele frequency attached by ClinVar (database versions not stated): gnomAD 0.00001; TOPMed 0.00001; ExAC 0.00002; gnomAD exomes 0.00002.
gnomAD v4.1: 12 of 1,613,228 alleles (0.00074%); highest among the groups gnomAD compares: Admixed American, 0.005%; no homozygotes.

Submissions (2):

Ambry Genetics
Classification: Uncertain significance. Last evaluated: 2023-03-21. Review status: criteria provided, single submitter. Criteria: Ambry Variant Classification Scheme 2023. Collection method: clinical testing. Allele origin: germline.

Labcorp Genetics (formerly Invitae), Labcorp
Classification: Uncertain significance. Last evaluated: 2021-08-27. Review status: criteria provided, single submitter. Criteria: Invitae Variant Classification Sherloc (09022015). Collection method: clinical testing. Allele origin: germline.
Comment: In summary, the available evidence is currently insufficient to determine the role of this variant in disease. Therefore, it has been classified as a Variant of Uncertain Significance. Algorithms developed to predict the effect of missense changes on protein structure and function (SIFT, PolyPhen-2, Align-GVGD) all suggest that this variant is likely to be disruptive. This variant has not been reported in the literature in individuals affected with RIMS1-related conditions. This variant is present in population databases (rs778829870, ExAC 0.02%). This sequence change replaces arginine with lysine at codon 945 of the RIMS1 protein (p.Arg945Lys). The arginine residue is highly conserved and there is a small physicochemical difference between arginine and lysine.